The following is an entry in ClinVar:

NM_006005.3(WFS1):c.530G>A (p.Arg177His)

Gene: WFS1 (wolframin ER transmembrane glycoprotein; plus strand). Cytogenetic location: 4p16.1.
Variant type: single nucleotide variant.
Coding change: c.530G>A on transcript NM_006005.3 (MANE Select); coding-DNA position 530, G replaced by A.
Protein change: p.Arg177His; replaces arginine 177 with histidine.
Molecular consequence: missense variant.
Genome position (GRCh38, 1-based): chr4:6,291,266, G>A. VCF-style: chr4-6291266-G-A. GRCh37 (hg19) VCF-style: chr4-6292993-G-A.
Other names: c.530G>A, p.Arg177His (NM_001145853.1); short protein forms R177H.
Identifiers: ClinVar variation 1320924 (VCV001320924.2), dbSNP rs766359455, ClinGen allele CA2838931.

ClinVar aggregate classification (germline): Uncertain significance (1 of 4 stars; one submission).

Allele frequency attached by ClinVar (database versions not stated): gnomAD exomes below 0.00001 and 0.00001; ExAC 0.00001.
gnomAD v4.1: 5 of 1,613,290 alleles (0.00031%); highest among the groups gnomAD compares: Non-Finnish European, 0.00042%; no homozygotes.

Submission:

GeneDx
Classification: Uncertain significance. Last evaluated: 2019-05-21. Review status: criteria provided, single submitter. Criteria: GeneDx Variant Classification Process June 2021. Collection method: clinical testing. Allele origin: germline. Affected: yes.
Comment: Not observed at a significant frequency in large population cohorts (Lek et al., 2016); In silico analysis, which includes protein predictors and evolutionary conservation, supports a deleterious effect; Has not been previously published as pathogenic or benign to our knowledge